The following is an entry in ClinVar:

ClinVar aggregate classification (germline): Likely benign. Review status: criteria provided, multiple submitters, no conflicts (2 of 4 stars). 2 submissions from 2 submitters: Likely benign (2). Last evaluated 2025-09-01.

Conditions:
Early-infantile DEE. Also called: Early infantile epileptic encephalopathy; Ohtahara syndrome; Early infantile epileptic encephalopathy with suppression bursts. Identifiers: Orphanet 1934, MedGen C0393706, MONDO:0800491.

Submissions (2):

CeGaT Center for Human Genetics Tuebingen
Classification: Likely benign. Last evaluated: 2025-09-01. Review status: criteria provided, single submitter. Criteria: CeGaT Center For Human Genetics Tuebingen Variant Classification Criteria Version 2. Collection method: clinical testing. Allele origin: germline. Affected: yes. Observed: 1 variant allele.
Comment: SPTAN1: PM2:Supporting, BP4, BP7

Labcorp Genetics (formerly Invitae), Labcorp
Classification: Likely benign for Early-infantile DEE. Last evaluated: 2025-04-29. Review status: criteria provided, single submitter. Criteria: Invitae Variant Classification Sherloc (09022015). Collection method: clinical testing. Allele origin: germline.

NM_001130438.3(SPTAN1):c.4003T>C (p.Leu1335=)

Gene: SPTAN1 (spectrin alpha, non-erythrocytic 1; plus strand). Cytogenetic location: 9q34.11.
Variant type: single nucleotide variant.
Coding change: c.4003T>C on transcript NM_001130438.3 (MANE Select); coding-DNA position 4003, T replaced by C.
Protein change: p.Leu1335=; no amino-acid change (leucine 1335 retained).
Molecular consequence: synonymous variant.
Genome position (GRCh38, 1-based): chr9:128,605,434, T>C. VCF-style: chr9-128605434-T-C. GRCh37 (hg19) VCF-style: chr9-131367713-T-C.
Other names: c.3943T>C, p.Leu1315= (NM_001195532.2, NM_001363765.2, NM_001375314.2 and 3 more transcripts); c.4003T>C, p.Leu1335= (NM_001363759.2, NM_001375310.1, NM_001375311.2 and 4 more transcripts); c.4039T>C, p.Leu1347= (NM_001375312.2, NM_001375318.1, NM_001438440.1).
Identifiers: ClinVar variation 4281168 (VCV004281168.8).
Genomic context (GRCh38, chr9:128,605,434, plus strand): 5'-ACAGAGTTAAACCAGGCCTGGAGCAGCCTGGGGAAACGTGCAGATCAGCGCAAGGCAAAG[T>C]TGGGTGACTCCCACGACCTGCAGCGCTTCCTTAGCGATTTCCGGTACGGAGCCATGTTCA-3'
Protein context (NP_001123910.1, residues 1325-1345): GKRADQRKAK[Leu1335=]GDSHDLQRFL